The following is an entry in ClinVar:

NM_000520.6(HEXA):c.1571A>C (p.Gln524Pro)

Gene: HEXA (hexosaminidase subunit alpha; minus strand). Cytogenetic location: 15q23.
Variant type: single nucleotide variant.
Coding change: c.1571A>C on transcript NM_000520.6 (MANE Select); coding-DNA position 1571, A replaced by C.
Protein change: p.Gln524Pro; replaces glutamine 524 with proline.
Molecular consequence: missense variant.
Genome position (GRCh38, 1-based): chr15:72,344,096, T>G on the plus strand (A>C on the coding strand, the complement: HEXA is on the minus strand). VCF-style: chr15-72344096-T-G. GRCh37 (hg19) VCF-style: chr15-72636437-T-G.
Other names: c.1604A>C, p.Gln535Pro (NM_001318825.2); short protein forms Q524P, Q535P.
Identifiers: ClinVar variation 1359380 (VCV001359380.8), dbSNP rs1432462387, ClinGen allele CA393057341.

ClinVar aggregate classification (germline): Uncertain significance (1 of 4 stars; one submission).

Conditions:
Tay-Sachs disease (TSD). Also called: HEXA Disorders; HEXA DEFICIENCY; GM2 gangliosidosis, type 1; Hexosaminidase alpha-subunit deficiency (variant B); Sphingolipidosis, Tay-Sachs; Hexosaminidase A Deficiency. Identifiers: Orphanet 845, MedGen C0039373, MONDO:0010100, OMIM 272800.

Submission:

Labcorp Genetics (formerly Invitae), Labcorp
Classification: Uncertain significance for Tay-Sachs disease. Last evaluated: 2021-06-06. Review status: criteria provided, single submitter. Criteria: Invitae Variant Classification Sherloc (09022015). Collection method: clinical testing. Allele origin: germline.
Comment: In summary, the available evidence is currently insufficient to determine the role of this variant in disease. Therefore, it has been classified as a Variant of Uncertain Significance. Algorithms developed to predict the effect of missense changes on protein structure and function (SIFT, PolyPhen-2, Align-GVGD) all suggest that this variant is likely to be tolerated, but these predictions have not been confirmed by published functional studies and their clinical significance is uncertain. This variant has not been reported in the literature in individuals with HEXA-related conditions. This variant is not present in population databases (ExAC no frequency). This sequence change replaces glutamine with proline at codon 524 of the HEXA protein (p.Gln524Pro). The glutamine residue is moderately conserved and there is a moderate physicochemical difference between glutamine and proline.